The following is an entry in ClinVar:

ClinVar aggregate classification (germline): Uncertain significance (1 of 4 stars; one submission).

Conditions:
Congenital disorder of glycosylation type Ir (CDG1R). Also called: DDOST-congenital disorder of glycosylation. Identifiers: Orphanet 300536, MedGen C3281084, MONDO:0013789, OMIM 614507.

Allele frequency attached by ClinVar (database versions not stated): gnomAD exomes below 0.00001; gnomAD 0.00001.
gnomAD v4.1: 3 of 1,613,806 alleles (0.00019%); highest among the groups gnomAD compares: Admixed American, 0.005%; no homozygotes.

Submission:

Labcorp Genetics (formerly Invitae), Labcorp
Classification: Uncertain significance for Congenital disorder of glycosylation type Ir. Last evaluated: 2021-08-31. Review status: criteria provided, single submitter. Criteria: Invitae Variant Classification Sherloc (09022015). Collection method: clinical testing. Allele origin: germline.
Comment: This sequence change replaces aspartic acid with alanine at codon 80 of the DDOST protein (p.Asp80Ala). The aspartic acid residue is highly conserved and there is a moderate physicochemical difference between aspartic acid and alanine. This variant is not present in population databases (ExAC no frequency). This variant has not been reported in the literature in individuals affected with DDOST-related conditions. Algorithms developed to predict the effect of missense changes on protein structure and function are either unavailable or do not agree on the potential impact of this missense change (SIFT: "Deleterious"; PolyPhen-2: "Possibly Damaging"; Align-GVGD: "Class C0"). In summary, the available evidence is currently insufficient to determine the role of this variant in disease. Therefore, it has been classified as a Variant of Uncertain Significance.

NM_005216.5(DDOST):c.188A>C (p.Asp63Ala)

Gene: DDOST (dolichyl-diphosphooligosaccharide--protein glycosyltransferase non-catalytic subunit; minus strand). Cytogenetic location: 1p36.12.
Variant type: single nucleotide variant.
Coding change: c.188A>C on transcript NM_005216.5 (MANE Select); coding-DNA position 188, A replaced by C.
Protein change: p.Asp63Ala; replaces aspartic acid 63 with alanine.
Molecular consequence: missense variant.
Genome position (GRCh38, 1-based): chr1:20,660,958, T>G on the plus strand (A>C on the coding strand, the complement: DDOST is on the minus strand). VCF-style: chr1-20660958-T-G. GRCh37 (hg19) VCF-style: chr1-20987451-T-G.
Other names: short protein forms D63A.
Identifiers: ClinVar variation 1410490 (VCV001410490.5), dbSNP rs2053427789, ClinGen allele CA338855854.